The following is an entry in ClinVar:

ClinVar aggregate classification (germline): Uncertain significance (1 of 4 stars; one submission).

Allele frequency attached by ClinVar (database versions not stated): TOPMed below 0.00001.

Submission:

Labcorp Genetics (formerly Invitae), Labcorp
Classification: Uncertain significance. Last evaluated: 2021-11-23. Review status: criteria provided, single submitter. Criteria: Invitae Variant Classification Sherloc (09022015). Collection method: clinical testing. Allele origin: germline.
Comment: In summary, the available evidence is currently insufficient to determine the role of this variant in disease. Therefore, it has been classified as a Variant of Uncertain Significance. Algorithms developed to predict the effect of missense changes on protein structure and function (SIFT, PolyPhen-2, Align-GVGD) all suggest that this variant is likely to be tolerated. This variant has not been reported in the literature in individuals affected with RUNX2-related conditions. This variant is not present in population databases (gnomAD no frequency). This sequence change replaces arginine, which is basic and polar, with glutamine, which is neutral and polar, at codon 25 of the RUNX2 protein (p.Arg25Gln).

NM_001024630.4(RUNX2):c.74G>A (p.Arg25Gln)

Gene: RUNX2 (RUNX family transcription factor 2; plus strand). Cytogenetic location: 6p21.1.
Variant type: single nucleotide variant.
Coding change: c.74G>A on transcript NM_001024630.4 (MANE Select); coding-DNA position 74, G replaced by A.
Protein change: p.Arg25Gln; replaces arginine 25 with glutamine.
Molecular consequence: missense variant.
Genome position (GRCh38, 1-based): chr6:45,422,608, G>A. VCF-style: chr6-45422608-G-A. GRCh37 (hg19) VCF-style: chr6-45390345-G-A.
Other names: c.74G>A, p.Arg25Gln (NM_001015051.4); c.32G>A, p.Arg11Gln (NM_001278478.2, NM_001369405.1); short protein forms R25Q, R11Q.
Identifiers: ClinVar variation 1377457 (VCV001377457.6), dbSNP rs1384263802, ClinGen allele CA363957578.
Genomic context (GRCh38, chr6:45,422,608, plus strand): 5'-GGCCACTTCGCTAACTTGTGGCTGTTGTGATGCGTATTCCCGTAGATCCGAGCACCAGCC[G>A]GCGCTTCAGCCCCCCCTCCAGCAGCCTGCAGCCCGGCAAAATGAGCGACGTGAGCCCGGT-3'
Protein context (NP_001019801.3, residues 15-35): QNFFWDPSTS[Arg25Gln]RFSPPSSSLQ